The following is an entry in ClinVar:

ClinVar aggregate classification (germline): Conflicting classifications of pathogenicity. Review status: criteria provided, conflicting classifications (1 of 4 stars). 5 submissions from 5 submitters: Uncertain significance (4); Likely benign (1). Last evaluated 2025-10-28.

Conditions:
Hereditary cancer-predisposing syndrome. Also called: Hereditary neoplastic syndrome; Tumor predisposition; Neoplastic Syndromes, Hereditary; Hereditary Cancer Syndrome. Identifiers: Orphanet 140162, MedGen C0027672, MeSH D009386, MONDO:0015356.
Hereditary breast ovarian cancer syndrome. Also called: Hereditary breast and ovarian cancer syndrome (HBOC); Hereditary breast and/or ovarian cancer syndrome; Hereditary breast and ovarian cancer; BRCA1- and BRCA2-Associated Hereditary Breast and Ovarian Cancer; Hereditary breast and ovarian cancer syndrome; Breast and ovarian cancer. Identifiers: Orphanet 145, MedGen C0677776, MeSH D061325, MONDO:0003582. Disease mechanism: loss of function.
Breast-ovarian cancer, familial, susceptibility to, 1 (BROVCA1). Also called: BRCA1 Hereditary Breast and Ovarian Cancer; OVARIAN CANCER, SUSCEPTIBILITY TO. Identifiers: Orphanet 145, MedGen C2676676, MONDO:0011450, OMIM 604370. Disease mechanism: loss of function.

Submissions (5):

Color Diagnostics, LLC DBA Color Health
Classification: Uncertain significance for Hereditary cancer-predisposing syndrome. Last evaluated: 2025-10-28. Review status: criteria provided, single submitter. Criteria: ACMG Guidelines, 2015. Collection method: clinical testing. Allele origin: germline.
Comment: This missense variant replaces serine with glycine at codon 1173 of the BRCA1 protein. Computational prediction suggests that this variant may not impact protein structure and function. To our knowledge, functional studies have not been reported for this variant. This variant has not been reported in individuals affected with BRCA1-related disorders in the literature. This variant has not been identified in the general population by the Genome Aggregation Database (gnomAD). The available evidence is insufficient to determine the role of this variant in disease conclusively. Therefore, this variant is classified as a Variant of Uncertain Significance.

All of Us Research Program, National Institutes of Health
Classification: Uncertain significance for Breast-ovarian cancer, familial, susceptibility to, 1. Last evaluated: 2024-01-03. Review status: criteria provided, single submitter. Criteria: ACMG Guidelines, 2015. Collection method: clinical testing. Allele origin: germline. Inheritance: Autosomal dominant inheritance. Observed: 2 variant alleles, 2 heterozygotes.
Comment: This missense variant replaces serine with glycine at codon 1173 of the BRCA1 protein. Computational prediction suggests that this variant may not impact protein structure and function (internally defined REVEL score threshold <= 0.5, PMID: 27666373). To our knowledge, functional studies have not been reported for this variant. This variant has not been reported in individuals affected with hereditary cancer in the literature. This variant has not been identified in the general population by the Genome Aggregation Database (gnomAD). The available evidence is insufficient to determine the role of this variant in disease conclusively. Therefore, this variant is classified as a Variant of Uncertain Significance.

This study involves interpretation of variants in research participants for the purpose of population health screening. Participant phenotype was not available at the time of variant classification. Additional details can be found in publication PMID: 35346344, PMCID: PMC8962531

University of Washington Department of Laboratory Medicine, University of Washington
Classification: Likely benign for Hereditary cancer-predisposing syndrome. Last evaluated: 2023-03-23. Review status: criteria provided, single submitter. Criteria: Dines et al. (Genet Med. 2020). Collection method: curation. Allele origin: germline.
Comment: Missense variant in a coldspot region where missense variants are very unlikely to be pathogenic (PMID:31911673).

BRCA1 coldspot (exon 11 using historical exon numbering). Reclassification based on statistical prior probability

Labcorp Genetics (formerly Invitae), Labcorp
Classification: Uncertain significance for Hereditary breast ovarian cancer syndrome. Last evaluated: 2022-05-15. Review status: criteria provided, single submitter. Criteria: Invitae Variant Classification Sherloc (09022015). Collection method: clinical testing. Allele origin: germline.
Comment: This sequence change replaces serine, which is neutral and polar, with glycine, which is neutral and non-polar, at codon 1173 of the BRCA1 protein (p.Ser1173Gly). This variant is not present in population databases (gnomAD no frequency). This variant has not been reported in the literature in individuals affected with BRCA1-related conditions. ClinVar contains an entry for this variant (Variation ID: 925711). Advanced modeling of protein sequence and biophysical properties (such as structural, functional, and spatial information, amino acid conservation, physicochemical variation, residue mobility, and thermodynamic stability) performed at Invitae indicates that this missense variant is not expected to disrupt BRCA1 protein function. In summary, the available evidence is currently insufficient to determine the role of this variant in disease. Therefore, it has been classified as a Variant of Uncertain Significance.

Ambry Genetics
Classification: Uncertain significance for Hereditary cancer-predisposing syndrome. Last evaluated: 2021-10-13. Review status: criteria provided, single submitter. Criteria: Ambry Variant Classification Scheme 2023. Collection method: clinical testing. Allele origin: germline.
Comment: The p.S1173G variant (also known as c.3517A>G), located in coding exon 9 of the BRCA1 gene, results from an A to G substitution at nucleotide position 3517. The serine at codon 1173 is replaced by glycine, an amino acid with similar properties. This amino acid position is poorly conserved in available vertebrate species. In addition, this alteration is predicted to be tolerated by in silico analysis. Since supporting evidence is limited at this time, the clinical significance of this alteration remains unclear.

NM_007294.4(BRCA1):c.3517A>G (p.Ser1173Gly)

Genes: BRCA1 (BRCA1 DNA repair associated; minus strand), LOC126862571 (BRD4-independent group 4 enhancer GRCh37_chr17:41243136-41244335; plus strand). Cytogenetic location: 17q21.31.
Variant type: single nucleotide variant.
Coding change: c.3517A>G on transcript NM_007294.4 (MANE Select); coding-DNA position 3517, A replaced by G.
Protein change: p.Ser1173Gly; replaces serine 1173 with glycine.
Molecular consequence: missense variant. On other transcripts: intron variant (135).
Genome position (GRCh38, 1-based): chr17:43,092,014, T>C on the plus strand (A>G on the coding strand, the complement: BRCA1 is on the minus strand). VCF-style: chr17-43092014-T-C. GRCh37 (hg19) VCF-style: chr17-41244031-T-C.
Other names: c.3304A>G, p.Ser1102Gly (NM_001407571.1, NM_001407853.1, NM_001407894.1 and 9 more transcripts); c.3517A>G, p.Ser1173Gly (NM_001407581.1, NM_001407582.1, NM_001407583.1 and 30 more transcripts); c.3514A>G, p.Ser1172Gly (NM_001407587.1, NM_001407590.1, NM_001407591.1 and 22 more transcripts); c.3508A>G, p.Ser1170Gly (NM_001407646.1, NM_001407647.1); c.3394A>G, p.Ser1132Gly (NM_001407648.1, NM_001407664.1, NM_001407665.1 and 19 more transcripts); c.3391A>G, p.Ser1131Gly (NM_001407649.1, NM_001407670.1, NM_001407671.1 and 11 more transcripts); c.3439A>G, p.Ser1147Gly (NM_001407653.1, NM_001407654.1, NM_001407655.1 and 4 more transcripts); c.3436A>G, p.Ser1146Gly (NM_001407659.1, NM_001407660.1, NM_001407661.1 and 1 more transcripts); and 41 more; short protein forms S1126G, S1173G, S1061G, S1085G, S1102G, S1172G, S1062G, S1105G.
Identifiers: ClinVar variation 925711 (VCV000925711.14), dbSNP rs2053573116, ClinGen allele CA10594937.